The following is an entry in ClinVar:

ClinVar aggregate classification (germline): Conflicting classifications of pathogenicity. Review status: criteria provided, conflicting classifications (1 of 4 stars). 2 submissions from 2 submitters: Likely pathogenic (1); Uncertain significance (1). Last evaluated 2025-07-31.

Allele frequency attached by ClinVar (database versions not stated): 1000 Genomes Project 30x 0.00016; 1000 Genomes Project 0.00020.
gnomAD v4.1: 7 of 1,614,162 alleles (0.00043%); highest among the groups gnomAD compares: East Asian, 0.0022%; no homozygotes.

Submissions (2):

Women's Health and Genetics/Laboratory Corporation of America, LabCorp
Classification: Uncertain significance. Last evaluated: 2025-07-31. Review status: criteria provided, single submitter. Criteria: LabCorp Variant Classification Summary - May 2015. Collection method: clinical testing. Allele origin: germline.
Comment: Variant summary: TMPRSS3 c.1028G>T (p.Trp343Leu) results in a non-conservative amino acid change in the encoded protein sequence. Algorithms developed to predict the effect of missense changes on protein structure and function all suggest that this variant is likely to be disruptive. The variant allele was found at a frequency of 4e-06 in 251276 control chromosomes. The available data on variant occurrences in the general population are insufficient to allow any conclusion about variant significance. c.1028G>T has been observed as a reportedly compound heterozygous genotype with non-informative phase (not clearly specified) and variable representations (an entirely different genotype) between subsequent studies comprising authorship and patient overlap in an individual with hearing loss (example: Miyagawa_2015 overlapping with Yoshimura_2020). These report(s) do not provide unequivocal conclusions about association of the variant with Deafness, Autosomal Recessive 8. To our knowledge, no experimental evidence demonstrating an impact on protein function has been reported. The following publications have been ascertained in the context of this evaluation (PMID: 25770132, 27627659, 34599366, 32134349). ClinVar contains an entry for this variant (Variation ID: 2736992). Based on the evidence outlined above, the variant was classified as uncertain significance.

Labcorp Genetics (formerly Invitae), Labcorp
Classification: Likely pathogenic. Last evaluated: 2023-08-29. Review status: criteria provided, single submitter. Criteria: Invitae Variant Classification Sherloc (09022015). Collection method: clinical testing. Allele origin: germline.
Comment: In summary, the currently available evidence indicates that the variant is pathogenic, but additional data are needed to prove that conclusively. Therefore, this variant has been classified as Likely Pathogenic. This variant disrupts the p.Trp343 amino acid residue in TMPRSS3. Other variant(s) that disrupt this residue have been determined to be pathogenic (PMID: 32860223; Invitae). This suggests that this residue is clinically significant, and that variants that disrupt this residue are likely to be disease-causing. Advanced modeling of protein sequence and biophysical properties (such as structural, functional, and spatial information, amino acid conservation, physicochemical variation, residue mobility, and thermodynamic stability) performed at Invitae indicates that this missense variant is expected to disrupt TMPRSS3 protein function. This missense change has been observed in individual(s) with deafness (PMID: 25770132). This variant is not present in population databases (gnomAD no frequency). This sequence change replaces tryptophan, which is neutral and slightly polar, with leucine, which is neutral and non-polar, at codon 343 of the TMPRSS3 protein (p.Trp343Leu).

Literature cited by the submitters: PubMed 27627659 (cited by Women's Health and Genetics/Laboratory Corporation of America, LabCorp); PubMed 25770132 (cited by Women's Health and Genetics/Laboratory Corporation of America, LabCorp and Labcorp Genetics (formerly Invitae), Labcorp); PubMed 32134349 (cited by Women's Health and Genetics/Laboratory Corporation of America, LabCorp); PubMed 34599366 (cited by Women's Health and Genetics/Laboratory Corporation of America, LabCorp); PubMed 32860223 (cited by Labcorp Genetics (formerly Invitae), Labcorp).

NM_001256317.3(TMPRSS3):c.1028G>T (p.Trp343Leu)

Gene: TMPRSS3 (transmembrane serine protease 3; minus strand). Cytogenetic location: 21q22.3.
Variant type: single nucleotide variant.
Coding change: c.1028G>T on transcript NM_001256317.3 (MANE Select); coding-DNA position 1028, G replaced by T.
Protein change: p.Trp343Leu; replaces tryptophan 343 with leucine.
Molecular consequence: missense variant.
Genome position (GRCh38, 1-based): chr21:42,380,137, C>A on the plus strand (G>T on the coding strand, the complement: TMPRSS3 is on the minus strand). VCF-style: chr21-42380137-C-A. GRCh37 (hg19) VCF-style: chr21-43800246-C-A.
Other names: c.1028G>T, p.Trp343Leu (NM_024022.4); c.647G>T, p.Trp216Leu (NM_032404.3); short protein forms W343L, W216L.
Identifiers: ClinVar variation 2736992 (VCV002736992.5), dbSNP rs540715620, ClinGen allele CA321542118.
Genomic context (GRCh38, chr21:42,380,137, plus strand): 5'-TGAGCCCCTGGACTCCGAATCTTGGCTTCAGCCCACTGACCTCCATCCTCTGTGGCCCCC[C>A]ATCCTGACGTCCAGCACACTTTTCCATCGGGGAAGTTCTCTTCAGAGTTGGGCAGGCACA-3'
Protein context (NP_001243246.1, residues 333-353): PDGKVCWTSG[Trp343Leu]GATEDGGDAS